The following is an entry in ClinVar:

ClinVar aggregate classification (germline): Likely pathogenic. Review status: criteria provided, multiple submitters, no conflicts (2 of 4 stars). 3 submissions from 3 submitters: Likely pathogenic (3). Last evaluated 2024-09-15.

Conditions:
Dystonia 28, childhood-onset (DYT28). Also called: KMT2B-Related Dystonia (DYT-KMT2B). Identifiers: Orphanet 589618, MedGen C4310633, MONDO:0015004, OMIM 617284.
KMT2B-related disorder. Also called: KMT2B-related condition; KMT2B-related disorders. Identifiers: MedGen CN381338.

Submissions (3):

GeneDx
Classification: Likely pathogenic. Last evaluated: 2024-09-15. Review status: criteria provided, single submitter. Criteria: GeneDx Variant Classification Process June 2021. Collection method: clinical testing. Allele origin: germline. Affected: yes.
Comment: Not observed at significant frequency in large population cohorts (gnomAD); In silico analysis supports that this missense variant has a deleterious effect on protein structure/function; De novo variant with confirmed parentage in a patient with adolescent onset generalized dystonia, with dysarthria and spasmodic dysphonia (PMID: 33098801, 29289525); This variant is associated with the following publications: (PMID: 35872528, 29289525, 33098801, 28520167)

Blueprint Genetics
Classification: Likely pathogenic for KMT2B-related disorders. Last evaluated: 2019-06-13. Review status: criteria provided, single submitter. Criteria: ACMG Guidelines, 2015. Collection method: clinical testing. Allele origin: germline. Affected: yes. Observed: 1 variant allele.

Institute of Human Genetics Munich, TUM University Hospital
Classification: Likely pathogenic for Dystonia 28, childhood-onset. Last evaluated: 2019-06-13. Review status: criteria provided, single submitter. Criteria: Classification criteria August 2017. Collection method: clinical testing. Allele origin: de novo. Inheritance: Autosomal dominant inheritance. Affected: yes. Observed: 1 heterozygote.

NM_014727.3(KMT2B):c.3700G>A (p.Glu1234Lys)

Gene: KMT2B (lysine methyltransferase 2B; plus strand). Cytogenetic location: 19q13.12.
Variant type: single nucleotide variant.
Coding change: c.3700G>A on transcript NM_014727.3 (MANE Select); coding-DNA position 3700, G replaced by A.
Protein change: p.Glu1234Lys; replaces glutamic acid 1234 with lysine.
Molecular consequence: missense variant.
Genome position (GRCh38, 1-based): chr19:35,725,536, G>A. VCF-style: chr19-35725536-G-A. GRCh37 (hg19) VCF-style: chr19-36216437-G-A.
Other names: c.3700G>A (NM_014727.2); short protein forms E1234K.
Identifiers: ClinVar variation 807437 (VCV000807437.5), dbSNP rs1599680351, ClinGen allele CA405410076.
Genomic context (GRCh38, chr19:35,725,536, plus strand): 5'-CAGCTGGTGTTCTGTCAAGTCTGCTGTGACCCATTCCACCCATTCTGCCTGGAGGAGGCC[G>A]AGCGGCCCCTGCCCCAGCATCACGACACCTGGTGCTGCCGTCGCTGCAAATTCTGCCACG-3'
Protein context (NP_055542.1, residues 1224-1244): PFHPFCLEEA[Glu1234Lys]RPLPQHHDTW